The following is an entry in ClinVar:

NM_000360.4(TH):c.463G>A (p.Val155Met)

Gene: TH (tyrosine hydroxylase; minus strand). Cytogenetic location: 11p15.5.
Variant type: single nucleotide variant.
Coding change: c.463G>A on transcript NM_000360.4 (MANE Select); coding-DNA position 463, G replaced by A.
Protein change: p.Val155Met; replaces valine 155 with methionine.
Molecular consequence: missense variant.
Genome position (GRCh38, 1-based): chr11:2,168,515, C>T on the plus strand (G>A on the coding strand, the complement: TH is on the minus strand). VCF-style: chr11-2168515-C-T. GRCh37 (hg19) VCF-style: chr11-2189745-C-T.
Other names: c.556G>A, p.Val186Met (NM_199292.3); c.544G>A, p.Val182Met (NM_199293.3); c.556G>A (NM_199292.2); short protein forms V155M, V182M, V186M.
Identifiers: ClinVar variation 2040097 (VCV002040097.3), dbSNP rs145023516, ClinGen allele CA5818656.
Genomic context (GRCh38, chr11:2,168,515, plus strand): 5'-CATTTGGTGGCCCTCAAGGACAGAAAACCGCCTCACCCTTGGGCCCCGCGGGGCTGCGCA[C>T]GTCCTCTGACACCTGGCGCACACCACTGAGCAGGGCGGCCAGGTCCCCTCGGCGCACCTC-3'
Protein context (NP_000351.2, residues 145-165): LSGVRQVSED[Val155Met]RSPAGPKVPW

ClinVar aggregate classification (germline): Uncertain significance. Review status: criteria provided, multiple submitters, no conflicts (2 of 4 stars). 3 submissions from 3 submitters: Uncertain significance (3). Last evaluated 2025-11-24.

Conditions:
TH-deficient dopa-responsive dystonia. Also called: Tyrosine Hydroxylase-Deficient Dopa-Responsive Dystonia; Segawa syndrome, autosomal recessive; DYT-TH. Identifiers: Orphanet 101150, MedGen C2673535, MONDO:0011551, OMIM 605407.
Inborn genetic diseases. Identifiers: MedGen C0950123, MeSH D030342.

Allele frequency attached by ClinVar (database versions not stated): ExAC 0.00001; ESP Exome Variant Server 0.00008; gnomAD 0.00009; 1000 Genomes Project 30x 0.00016; TOPMed 0.00017; 1000 Genomes Project 0.00020.
gnomAD v4.1: 162 of 1,612,346 alleles (0.01%); highest among the groups gnomAD compares: Non-Finnish European, 0.013%; no homozygotes.

Submissions (3):

Ambry Genetics
Classification: Uncertain significance for Inborn genetic diseases. Last evaluated: 2025-11-24. Review status: criteria provided, single submitter. Criteria: Ambry Variant Classification Scheme 2023. Collection method: clinical testing. Allele origin: germline.

GeneDx
Classification: Uncertain significance. Last evaluated: 2025-04-14. Review status: criteria provided, single submitter. Criteria: GeneDx Variant Classification Process June 2021. Collection method: clinical testing. Allele origin: germline. Affected: yes.
Comment: Has not been previously published as pathogenic or benign to our knowledge; In silico analysis indicates that this missense variant does not alter protein structure/function

Labcorp Genetics (formerly Invitae), Labcorp
Classification: Uncertain significance for TH-deficient dopa-responsive dystonia. Last evaluated: 2022-08-03. Review status: criteria provided, single submitter. Criteria: Invitae Variant Classification Sherloc (09022015). Collection method: clinical testing. Allele origin: germline.
Comment: This sequence change replaces valine, which is neutral and non-polar, with methionine, which is neutral and non-polar, at codon 186 of the TH protein (p.Val186Met). This variant is present in population databases (rs145023516, gnomAD 0.006%). This variant has not been reported in the literature in individuals affected with TH-related conditions. Algorithms developed to predict the effect of missense changes on protein structure and function are either unavailable or do not agree on the potential impact of this missense change (SIFT: "Deleterious"; PolyPhen-2: "Benign"; Align-GVGD: "Class C15"). In summary, the available evidence is currently insufficient to determine the role of this variant in disease. Therefore, it has been classified as a Variant of Uncertain Significance.